The following is an entry in ClinVar:

ClinVar aggregate classification (germline): Uncertain significance (1 of 4 stars; one submission).

Conditions:
Arginine:glycine amidinotransferase deficiency (CCDS3). Also called: L-Arginine:Glycine Amidinotransferase (AGAT) Deficiency; AGAT deficiency; L-Arginine:Glycine Amidinotransferase Deficiency; Creatine deficiency syndrome due to AGAT deficiency; GATM deficiency; Cerebral creatine deficiency syndrome 3. Identifiers: Orphanet 35704, MedGen C2675179, MONDO:0012996, OMIM 612718.

Submission:

Labcorp Genetics (formerly Invitae), Labcorp
Classification: Uncertain significance for Arginine:glycine amidinotransferase deficiency. Last evaluated: 2023-05-13. Review status: criteria provided, single submitter. Criteria: Invitae Variant Classification Sherloc (09022015). Collection method: clinical testing. Allele origin: germline.
Comment: This sequence change replaces lysine, which is basic and polar, with arginine, which is basic and polar, at codon 331 of the GATM protein (p.Lys331Arg). This variant is not present in population databases (gnomAD no frequency). This variant has not been reported in the literature in individuals affected with GATM-related conditions. An algorithm developed to predict the effect of missense changes on protein structure and function (PolyPhen-2) suggests that this variant is likely to be tolerated. Algorithms developed to predict the effect of sequence changes on RNA splicing suggest that this variant may create or strengthen a splice site. In summary, the available evidence is currently insufficient to determine the role of this variant in disease. Therefore, it has been classified as a Variant of Uncertain Significance.

NM_001482.3(GATM):c.992A>G (p.Lys331Arg)

Gene: GATM (glycine amidinotransferase; minus strand). Cytogenetic location: 15q21.1.
Variant type: single nucleotide variant.
Coding change: c.992A>G on transcript NM_001482.3 (MANE Select); coding-DNA position 992, A replaced by G.
Protein change: p.Lys331Arg; replaces lysine 331 with arginine.
Molecular consequence: missense variant.
Genome position (GRCh38, 1-based): chr15:45,364,847, T>C on the plus strand (A>G on the coding strand, the complement: GATM is on the minus strand). VCF-style: chr15-45364847-T-C. GRCh37 (hg19) VCF-style: chr15-45657045-T-C.
Other names: c.605A>G, p.Lys202Arg (NM_001321015.2); short protein forms K331R, K202R.
Identifiers: ClinVar variation 2864123 (VCV002864123.3), dbSNP rs2541986257, ClinGen allele CA392256650.